The following is an entry in ClinVar:

ClinVar aggregate classification (germline): Uncertain significance (1 of 4 stars; one submission).

Submission:

Labcorp Genetics (formerly Invitae), Labcorp
Classification: Uncertain significance. Last evaluated: 2022-10-13. Review status: criteria provided, single submitter. Criteria: Invitae Variant Classification Sherloc (09022015). Collection method: clinical testing. Allele origin: germline.
Comment: ClinVar contains an entry for this variant (Variation ID: 1512394). Advanced modeling of protein sequence and biophysical properties (such as structural, functional, and spatial information, amino acid conservation, physicochemical variation, residue mobility, and thermodynamic stability) performed at Invitae indicates that this missense variant is not expected to disrupt ERBB2 protein function. In summary, the available evidence is currently insufficient to determine the role of this variant in disease. Therefore, it has been classified as a Variant of Uncertain Significance. This variant has not been reported in the literature in individuals affected with ERBB2-related conditions. This variant is not present in population databases (gnomAD no frequency). This sequence change replaces proline, which is neutral and non-polar, with leucine, which is neutral and non-polar, at codon 999 of the ERBB2 protein (p.Pro999Leu).

NM_004448.4(ERBB2):c.2996C>T (p.Pro999Leu)

Gene: ERBB2 (erb-b2 receptor tyrosine kinase 2; plus strand). Cytogenetic location: 17q12.
Variant type: single nucleotide variant.
Coding change: c.2996C>T on transcript NM_004448.4 (MANE Select); coding-DNA position 2996, C replaced by T.
Protein change: p.Pro999Leu; replaces proline 999 with leucine.
Molecular consequence: missense variant. On other transcripts: non-coding transcript variant (1), intron variant (1).
Genome position (GRCh38, 1-based): chr17:39,726,840, C>T. VCF-style: chr17-39726840-C-T. GRCh37 (hg19) VCF-style: chr17-37883093-C-T.
Other names: c.2906C>T, p.Pro969Leu (NM_001005862.3, NM_001382782.1, NM_001382783.1); c.2951C>T, p.Pro984Leu (NM_001289936.2); c.2996C>T, p.Pro999Leu (NM_001289937.2, NM_001382796.1); c.3113C>T, p.Pro1038Leu (NM_001382784.1); c.3098C>T, p.Pro1033Leu (NM_001382785.1); c.3077C>T, p.Pro1026Leu (NM_001382786.1); c.3071C>T, p.Pro1024Leu (NM_001382787.1); c.3026C>T, p.Pro1009Leu (NM_001382788.1); and 15 more; short protein forms P1006L, P937L, P939L, P984L, P996L, P1026L, P1033L, P999L.
Identifiers: ClinVar variation 1512394 (VCV001512394.8), dbSNP rs2143170274, ClinGen allele CA399308966.